The following is an entry in ClinVar:

NM_130837.3(OPA1):c.1834C>T (p.Arg612Ter)

Genes: OPA1 (OPA1 mitochondrial dynamin like GTPase; plus strand), LOC126806913 (BRD4-independent group 4 enhancer GRCh37_chr3:193364377-193365576; plus strand). Cytogenetic location: 3q29.
Variant type: single nucleotide variant.
Coding change: c.1834C>T on transcript NM_130837.3 (MANE Select); coding-DNA position 1834, C replaced by T.
Protein change: p.Arg612Ter; replaces arginine 612 with a stop codon.
Molecular consequence: nonsense.
Genome position (GRCh38, 1-based): chr3:193,647,144, C>T. VCF-style: chr3-193647144-C-T. GRCh37 (hg19) VCF-style: chr3-193364933-C-T.
Other names: c.1834C>T (NM_130837.2); c.1300C>T, p.Arg434Ter (NM_001354663.2); c.1297C>T, p.Arg433Ter (NM_001354664.2); c.1669C>T, p.Arg557Ter (NM_015560.3); c.1561C>T, p.Arg521Ter (NM_130831.3); c.1615C>T, p.Arg539Ter (NM_130832.3); c.1672C>T, p.Arg558Ter (NM_130833.3); c.1723C>T, p.Arg575Ter (NM_130834.3); and 2 more; short protein forms R557*, R612*, R434*, R594*, R558*, R433*, R521*, R539*.
Identifiers: ClinVar variation 95713 (VCV000095713.21), dbSNP rs398124299, ClinGen allele CA275042.
Genomic context (GRCh38, chr3:193,647,144, plus strand): 5'-CACCAAGTGACTACAAGAAATTTAAGCCTTGCAGTATCAGACTGCTTTTGGAAAATGGTA[C>T]GAGAGTCTGTTGAACAACAGGCTGATAGTTTCAAAGGTAAGTTGGATTTTTTAAAGAAGC-3'

ClinVar aggregate classification (germline): Pathogenic. Review status: criteria provided, multiple submitters, no conflicts (2 of 4 stars). 7 submissions from 7 submitters: Pathogenic (6). 1 of the submissions does not count toward it. Last evaluated 2026-09-01.

Conditions:
OPA1-related disorder. Also called: OPA1-related disorders; OPA1-related condition.
Optic atrophy. Identifiers: MedGen C0029124, MONDO:0003608, HP:0000648.

Allele frequency attached by ClinVar (database versions not stated): gnomAD exomes below 0.00001; ExAC 0.00001.
gnomAD v4.1: 3 of 1,613,080 alleles (0.00019%); highest among the groups gnomAD compares: South Asian, 0.0011%; no homozygotes.

Submissions (7):

CeGaT Center for Human Genetics Tuebingen
Classification: Pathogenic. Last evaluated: 2026-09-01. Review status: criteria provided, single submitter. Criteria: CeGaT Center For Human Genetics Tuebingen Variant Classification Criteria Version 2. Collection method: clinical testing. Allele origin: germline. Affected: yes. Observed: 1 variant allele.
Comment: OPA1: PVS1, PM2, PS4:Moderate

PreventionGenetics, part of Exact Sciences
Classification: Pathogenic for OPA1-related condition. Last evaluated: 2026-08-24. Review status: criteria provided, single submitter. Criteria: ACMG Guidelines, 2015. Collection method: clinical testing. Allele origin: germline.
Comment: The OPA1 c.1834C>T variant is predicted to result in premature protein termination (p.Arg612*). This variant, also described as c.1669C>T, p.Arg557* in NM_015560, has been reported in multiple individuals with autosomal dominant optic atrophy (Toomes et al. 2001. PubMed ID: 11440989; Barboni et al. 2014. PubMed ID: 24907432; Loo et al. 2017. PubMed ID: 27858935; Table S2, Charif et al. 2021. PubMed ID: 33841295; Zhang et al. 2022. PubMed ID: 35273349). This variant has also been reported in the compound heterozygous state with a second OPA1 missense variant in an individual with a clinical diagnosis of early-onset Behr syndrome (Bonneau et al. 2014. PubMed ID: 25012220); of note, the mother of this patient was an unaffected heterozygous carrier of p.Arg612* only. This variant is reported in 0.00088% of alleles in individuals of European (Non-Finnish) descent in gnomAD. Nonsense variants in OPA1 are expected to be pathogenic. This variant is interpreted as pathogenic.

Labcorp Genetics (formerly Invitae), Labcorp
Classification: Pathogenic. Last evaluated: 2024-10-11. Review status: criteria provided, single submitter. Criteria: Invitae Variant Classification Sherloc (09022015). Collection method: clinical testing. Allele origin: germline.
Comment: This sequence change creates a premature translational stop signal (p.Arg557*) in the OPA1 gene. It is expected to result in an absent or disrupted protein product. Loss-of-function variants in OPA1 are known to be pathogenic (PMID: 11440988, 20157015, 20952381, 25012220). This variant is present in population databases (rs398124299, gnomAD 0.0009%). This premature translational stop signal has been observed in individuals with autosomal dominant and autosomal recessive OPA1-related disorders (PMID: 11440989, 25012220). ClinVar contains an entry for this variant (Variation ID: 95713). For these reasons, this variant has been classified as Pathogenic.

GeneDx
Classification: Pathogenic. Last evaluated: 2024-03-13. Review status: criteria provided, single submitter. Criteria: GeneDx Variant Classification Process June 2021. Collection method: clinical testing. Allele origin: germline. Affected: yes.
Comment: Identified in the heterozygous state in patients with autosomal dominant optic atrophy in published literature (PMID: 11440989, 27858935); Nonsense variant predicted to result in protein truncation or nonsense mediated decay in a gene for which loss of function is a known mechanism of disease; Not observed at significant frequency in large population cohorts (gnomAD); This variant is associated with the following publications: (PMID: 25525159, 28378518, 27858935, 27150940, 26867657, 24907432, 25012220, 33841295, 11440989)

Athena Diagnostics
Classification: Pathogenic. Last evaluated: 2020-12-22. Review status: criteria provided, single submitter. Criteria: Athena Diagnostics criteria. Collection method: clinical testing. Allele origin: unknown.
Comment: This variant is expected to result in the loss of a functional protein. The frequency of this variant in the general population is consistent with pathogenicity. This variant has been identified in at least one individual with clinical features associated with this gene.

Eurofins Ntd Llc (ga)
Classification: Pathogenic. Last evaluated: 2017-03-01. Review status: criteria provided, single submitter. Criteria: EGL Classification Definitions. Collection method: clinical testing. Allele origin: germline. Observed: 3 variant alleles, 3 heterozygotes.

Institute of Human Genetics, Univ. Regensburg, Univ. Regensburg
Classification: Pathogenic for Optic atrophy. Last evaluated: 2016-01-01. Review status: no assertion criteria provided. Criteria: ACMG Guidelines, 2015. Collection method: clinical testing. Allele origin: germline. Affected: yes. Not counted in ClinVar's aggregate classification.

Literature cited by the submitters: PubMed 11440988 (cited by Labcorp Genetics (formerly Invitae), Labcorp); PubMed 20157015 (cited by Labcorp Genetics (formerly Invitae), Labcorp); PubMed 20952381 (cited by Labcorp Genetics (formerly Invitae), Labcorp); PubMed 25012220 (cited by Labcorp Genetics (formerly Invitae), Labcorp and Athena Diagnostics); PubMed 11440989 (cited by Labcorp Genetics (formerly Invitae), Labcorp and Athena Diagnostics); PubMed 27858935 (cited by Athena Diagnostics); PubMed 24907432 (cited by Athena Diagnostics); PubMed 28378518 (cited by Athena Diagnostics).